The following is an entry in ClinVar:

ClinVar aggregate classification (germline): Likely pathogenic (0 of 4 stars; one submission).

Conditions:
Gaucher disease type I (GD1). Also called: GD 1; Gaucher's disease, type 1; Type 1 Gaucher Disease; ACID BETA-GLUCOSIDASE DEFICIENCY; GAUCHER DISEASE, NONCEREBRAL JUVENILE; GBA DEFICIENCY. Identifiers: Orphanet 355, Orphanet 77259, MedGen C1961835, MONDO:0009265, OMIM 230800.

Submission:

Laboratório Nacional de Células Tronco Embrionárias, Instituto de Biociencias - Universidade de Sao Paulo
Classification: Likely pathogenic for Gaucher disease type I. Last evaluated: 2025-06-24. Review status: no assertion criteria provided. Collection method: research. Allele origin: inherited. Inheritance: Autosomal recessive inheritance. Affected: yes. Observed: 1 variant allele.
Comment: This is the only variant detected at the GBA locus in this allele in compound heterozigosity (in trans) with a previously described variant of Gaucher disease - genotype N409S/A249V. Mutation detected and described in Rozenberg et al., 2006 (doi:10.1016/j.bcmd.2006.09.004). Based on these data and established disease mechanisms for GBA1, we classified it as likely pathogenic.

Literature cited by the submitters: DOI 10.1016/j.bcmd.2006.09.004.

NM_000157.4(GBA1):c.746C>T (p.Ala249Val)

Genes: GBA1 (glucosylceramidase beta 1; minus strand), LOC106627981 (GBA recombination region; plus strand). Cytogenetic location: 1q22.
Variant type: single nucleotide variant.
Coding change: c.746C>T on transcript NM_000157.4 (MANE Select); coding-DNA position 746, C replaced by T.
Protein change: p.Ala249Val; replaces alanine 249 with valine.
Molecular consequence: missense variant.
Genome position (GRCh38, 1-based): chr1:155,238,149, G>A on the plus strand (C>T on the coding strand, the complement: GBA1 is on the minus strand). VCF-style: chr1-155238149-G-A. GRCh37 (hg19) VCF-style: chr1-155207940-G-A.
Other names: NP_000148.2:p.(A249V); c.746C>T, p.Ala249Val (NM_001005741.3, NM_001005742.3); c.485C>T, p.Ala162Val (NM_001171811.2); c.599C>T, p.Ala200Val (NM_001171812.2); short protein forms A162V, A200V, A249V.
Identifiers: ClinVar variation 4075434 (VCV004075434.1).